The following is an entry in ClinVar:

NM_002336.3(LRP6):c.268G>A (p.Val90Ile)

Gene: LRP6 (LDL receptor related protein 6; minus strand). Cytogenetic location: 12p13.2.
Variant type: single nucleotide variant.
Coding change: c.268G>A on transcript NM_002336.3 (MANE Select); coding-DNA position 268, G replaced by A.
Protein change: p.Val90Ile; replaces valine 90 with isoleucine.
Molecular consequence: missense variant. On other transcripts: 5 prime UTR variant (2), non-coding transcript variant (1), intron variant (1).
Genome position (GRCh38, 1-based): chr12:12,244,443, C>T on the plus strand (G>A on the coding strand, the complement: LRP6 is on the minus strand). VCF-style: chr12-12244443-C-T. GRCh37 (hg19) VCF-style: chr12-12397377-C-T.
Other names: c.268G>A, p.Val90Ile (NM_001414244.1, NM_001414245.1, NM_001414246.1 and 6 more transcripts); c.-186G>A (NM_001414253.1); c.-182G>A (NM_001414254.1); c.-5+22238G>A (NM_001414252.1); short protein forms V90I.
Identifiers: ClinVar variation 4776479 (VCV004776479.1).
Genomic context (GRCh38, chr12:12,244,443, plus strand): 5'-ACAATTTTTCTCCAAGCCAATCACATGCCAGCCCATCGGGGGACAATAATCCAGAAACAA[C>T]AACATTCTGCACACTCTCAGTTTTGTTAAATTCTGTTCGTTTAATGGCTTCTTCGCTGAC-3'
Protein context (NP_002327.2, residues 80-100): FNKTESVQNV[Val90Ile]VSGLLSPDGL

ClinVar aggregate classification (germline): Uncertain significance (1 of 4 stars; one submission).

Submission:

Labcorp Genetics (formerly Invitae), Labcorp
Classification: Uncertain significance. Last evaluated: 2025-06-23. Review status: criteria provided, single submitter. Criteria: Invitae Variant Classification Sherloc (09022015). Collection method: clinical testing. Allele origin: germline.
Comment: This sequence change replaces valine, which is neutral and non-polar, with isoleucine, which is neutral and non-polar, at codon 90 of the LRP6 protein (p.Val90Ile). This variant is present in population databases (rs760224323, gnomAD 0.02%). This variant has not been reported in the literature in individuals affected with LRP6-related conditions. Invitae Evidence Modeling of protein sequence and biophysical properties (such as structural, functional, and spatial information, amino acid conservation, physicochemical variation, residue mobility, and thermodynamic stability) indicates that this missense variant is not expected to disrupt LRP6 protein function with a negative predictive value of 80%. In summary, the available evidence is currently insufficient to determine the role of this variant in disease. Therefore, it has been classified as a Variant of Uncertain Significance.